The following is an entry in ClinVar:

ClinVar aggregate classification (germline): Uncertain significance. Review status: criteria provided, multiple submitters, no conflicts (2 of 4 stars). 2 submissions from 2 submitters: Uncertain significance (2). Last evaluated 2024-06-12.

Conditions:
Neuroblastoma, susceptibility to, 3. Also called: ALK-Related Neuroblastic Tumor Susceptibility. Identifiers: Orphanet 635, MedGen C2751681, MONDO:0013083, OMIM 613014.
Hereditary cancer-predisposing syndrome. Also called: Hereditary neoplastic syndrome; Tumor predisposition; Hereditary Cancer Syndrome; Neoplastic Syndromes, Hereditary. Identifiers: Orphanet 140162, MedGen C0027672, MeSH D009386, MONDO:0015356.

gnomAD v4.1: 25 of 1,614,042 alleles (0.0015%); highest among the groups gnomAD compares: Non-Finnish European, 0.0021%; no homozygotes.

Submissions (2):

Ambry Genetics
Classification: Uncertain significance for Hereditary cancer-predisposing syndrome. Last evaluated: 2024-06-12. Review status: criteria provided, single submitter. Criteria: Ambry Variant Classification Scheme 2023. Collection method: clinical testing. Allele origin: germline.
Comment: The p.D397G variant (also known as c.1190A>G), located in coding exon 5 of the ALK gene, results from an A to G substitution at nucleotide position 1190. The aspartic acid at codon 397 is replaced by glycine, an amino acid with similar properties. This amino acid position is conserved. In addition, this alteration is predicted to be tolerated by in silico analysis. Since supporting evidence is limited at this time, the clinical significance of this alteration remains unclear.

Labcorp Genetics (formerly Invitae), Labcorp
Classification: Uncertain significance for Neuroblastoma, susceptibility to, 3. Last evaluated: 2022-10-27. Review status: criteria provided, single submitter. Criteria: Invitae Variant Classification Sherloc (09022015). Collection method: clinical testing. Allele origin: germline.
Comment: In summary, the available evidence is currently insufficient to determine the role of this variant in disease. Therefore, it has been classified as a Variant of Uncertain Significance. Algorithms developed to predict the effect of missense changes on protein structure and function (SIFT, PolyPhen-2, Align-GVGD) all suggest that this variant is likely to be tolerated. ClinVar contains an entry for this variant (Variation ID: 1424887). This variant has not been reported in the literature in individuals affected with ALK-related conditions. This variant is not present in population databases (gnomAD no frequency). This sequence change replaces aspartic acid, which is acidic and polar, with glycine, which is neutral and non-polar, at codon 397 of the ALK protein (p.Asp397Gly).

NM_004304.5(ALK):c.1190A>G (p.Asp397Gly)

Gene: ALK (ALK receptor tyrosine kinase; minus strand). Cytogenetic location: 2p23.2.
Variant type: single nucleotide variant.
Coding change: c.1190A>G on transcript NM_004304.5 (MANE Select); coding-DNA position 1190, A replaced by G.
Protein change: p.Asp397Gly; replaces aspartic acid 397 with glycine.
Molecular consequence: missense variant.
Genome position (GRCh38, 1-based): chr2:29,383,824, T>C on the plus strand (A>G on the coding strand, the complement: ALK is on the minus strand). VCF-style: chr2-29383824-T-C. GRCh37 (hg19) VCF-style: chr2-29606690-T-C.
Other names: short protein forms D397G.
Identifiers: ClinVar variation 1424887 (VCV001424887.11), dbSNP rs368122868, ClinGen allele CA346585400.
Genomic context (GRCh38, chr2:29,383,824, plus strand): 5'-ACTGCAGACAAGCTGCGGTTTCCACTGGAGATGTATTCCAGGGCCACTCGAAATGGGTTG[T>C]CTGGACGCCCGATTCTTCCCTGGAGCACTGTCCAACTGGTTGCATTGGAAAACAGAGGAG-3'
Protein context (NP_004295.2, residues 387-407): TVLQGRIGRP[Asp397Gly]NPFRVALEYI